The following is an entry in ClinVar:

ClinVar aggregate classification (germline): Likely benign (1 of 4 stars; one submission).

Allele frequency attached by ClinVar (database versions not stated): ExAC 0.00001; gnomAD exomes 0.00001.
gnomAD v4.1: 8 of 1,614,180 alleles (0.0005%); highest among the groups gnomAD compares: South Asian, 0.0088%; no homozygotes.

Submission:

CeGaT Center for Human Genetics Tuebingen
Classification: Likely benign. Last evaluated: 2022-07-01. Review status: criteria provided, single submitter. Criteria: CeGaT Center For Human Genetics Tuebingen Variant Classification Criteria Version 2. Collection method: clinical testing. Allele origin: germline. Affected: yes. Observed: 1 variant allele.
Comment: MAP3K9: BP4, BP7

NM_001284230.2(MAP3K9):c.531T>C (p.Pro177=)

Gene: MAP3K9 (mitogen-activated protein kinase kinase kinase 9; minus strand). Cytogenetic location: 14q24.2.
Variant type: single nucleotide variant.
Coding change: c.531T>C on transcript NM_001284230.2 (MANE Select); coding-DNA position 531, T replaced by C.
Protein change: p.Pro177=; no amino-acid change (proline 177 retained).
Molecular consequence: synonymous variant.
Genome position (GRCh38, 1-based): chr14:70,800,956, A>G on the plus strand (T>C on the coding strand, the complement: MAP3K9 is on the minus strand). VCF-style: chr14-70800956-A-G. GRCh37 (hg19) VCF-style: chr14-71267673-A-G.
Other names: c.531T>C, p.Pro177= (NM_033141.4).
Identifiers: ClinVar variation 2644345 (VCV002644345.24), dbSNP rs769987149, ClinGen allele CA7250372.